The following is an entry in ClinVar:

ClinVar aggregate classification (germline): Conflicting classifications of pathogenicity. Review status: criteria provided, conflicting classifications (1 of 4 stars). 6 submissions from 6 submitters: Uncertain significance (4); Likely benign (1). 1 of the submissions does not count toward it. Last evaluated 2025-12-24.

Conditions:
Hereditary cancer-predisposing syndrome. Also called: Hereditary Cancer Syndrome; Tumor predisposition; Neoplastic Syndromes, Hereditary; Hereditary neoplastic syndrome. Identifiers: Orphanet 140162, MedGen C0027672, MeSH D009386, MONDO:0015356.
Tuberous sclerosis syndrome (TSC). Also called: Tuberous Sclerosis Complex; Tuberous sclerosis. Identifiers: Orphanet 805, MedGen C0041341, MONDO:0001734.
Tuberous sclerosis 2 (TSC2). Identifiers: Orphanet 805, MedGen C1860707, MONDO:0013199, OMIM 613254.

Allele frequency attached by ClinVar (database versions not stated): gnomAD exomes 0.00001; TOPMed 0.00001; ExAC 0.00002; gnomAD 0.00002 and 0.00001; ESP Exome Variant Server 0.00008.
gnomAD v4.1: 17 of 1,613,696 alleles (0.0011%); highest among the groups gnomAD compares: East Asian, 0.0022%; no homozygotes.

Submissions (6):

Labcorp Genetics (formerly Invitae), Labcorp
Classification: Likely benign for Tuberous sclerosis 2. Last evaluated: 2025-12-24. Review status: criteria provided, single submitter. Criteria: Invitae Variant Classification Sherloc (09022015). Collection method: clinical testing. Allele origin: germline.

Ambry Genetics
Classification: Uncertain significance for Hereditary cancer-predisposing syndrome. Last evaluated: 2025-01-30. Review status: criteria provided, single submitter. Criteria: Ambry Variant Classification Scheme 2023. Collection method: clinical testing. Allele origin: germline.
Comment: The p.R505Q variant (also known as c.1514G>A), located in coding exon 14 of the TSC2 gene, results from a G to A substitution at nucleotide position 1514. The arginine at codon 505 is replaced by glutamine, an amino acid with highly similar properties. In addition, this variant was identified in an individual with suspected facial angiofibromas, seizures, and intellectual disability (ID), as well as this individual's mother with mild ID and maternal grandmother with no known features of tuberous sclerosis (Dunlop EA et al. Eur. J. Hum. Genet., 2011 Jul;19:789-95). This variant has also been detected in multiple individuals with no reported features of Tuberous sclerosis (Ambry internal data). Two functional studies have indicated that this alteration may have an intermediate impact on TSC2 protein activity (Dunlop EA et al. Eur. J. Hum. Genet., 2011 Jul;19:789-95; Hoogeveen-Westerveld M et al. Hum. Mutat., 2013 Jan;34:167-75). This amino acid position is highly conserved in available vertebrate species. In addition, this alteration is predicted to be deleterious by in silico analysis. Based on the available evidence, the clinical significance of this variant remains unclear.

All of Us Research Program, National Institutes of Health
Classification: Uncertain significance for Tuberous sclerosis syndrome. Last evaluated: 2023-06-28. Review status: criteria provided, single submitter. Criteria: ACMG Guidelines, 2015. Collection method: clinical testing. Allele origin: germline. Inheritance: Autosomal dominant inheritance. Observed: 1 variant allele, 1 heterozygote.
Comment: This missense variant replaces arginine with glutamine at codon 505 of the TSC2 protein. Computational prediction is inconclusive regarding the impact of this variant on protein structure and function (internally defined REVEL score threshold 0.5 < inconclusive < 0.7, PMID: 27666373). Functional studies have reported that the variant demonstrated moderate impact on TSC2 stability, TSC1-TSC2 interaction, RhebGAP activity and mTORC1 pathway activation (PMID: 21407264, 22903760). This variant has not been reported in individuals affected with hereditary cancer in the literature. This variant has been identified in 3/251260 chromosomes in the general population by the Genome Aggregation Database (gnomAD). The available evidence is insufficient to determine the role of this variant in disease conclusively. Therefore, this variant is classified as a Variant of Uncertain Significance.

This study involves interpretation of variants in research participants for the purpose of population health screening. Participant phenotype was not available at the time of variant classification. Additional details can be found in publication PMID: 35346344, PMCID: PMC8962531

Genome-Nilou Lab
Classification: Uncertain significance for Tuberous sclerosis 2. Last evaluated: 2021-11-07. Review status: criteria provided, single submitter. Criteria: ACMG Guidelines, 2015. Collection method: clinical testing. Allele origin: germline. Affected: no.

CeGaT Center for Human Genetics Tuebingen
Classification: Uncertain significance. Last evaluated: 2019-03-01. Review status: criteria provided, single submitter. Criteria: CeGaT Center For Human Genetics Tuebingen Variant Classification Criteria Version 2. Collection method: clinical testing. Allele origin: germline. Affected: yes. Observed: 1 variant allele.

Tuberous sclerosis database (TSC2)
No classification provided. Condition: TSC. Review status: no classification provided. Criteria: Tuberous Sclerosis Database Assertion Criteria 2015. Collection method: curation. Allele origin: germline. Affected: yes. Not counted in ClinVar's aggregate classification.

Literature cited by the submitters: PubMed 21407264 (cited by Ambry Genetics and All of Us Research Program, National Institutes of Health); PubMed 22903760 (cited by Ambry Genetics and All of Us Research Program, National Institutes of Health); PubMed 35870981 (cited by Ambry Genetics).

NM_000548.5(TSC2):c.1514G>A (p.Arg505Gln)

Gene: TSC2 (TSC complex subunit 2; plus strand). Cytogenetic location: 16p13.3.
Variant type: single nucleotide variant.
Coding change: c.1514G>A on transcript NM_000548.5 (MANE Select); coding-DNA position 1514, G replaced by A.
Protein change: p.Arg505Gln; replaces arginine 505 with glutamine.
Molecular consequence: missense variant.
Genome position (GRCh38, 1-based): chr16:2,064,342, G>A. VCF-style: chr16-2064342-G-A. GRCh37 (hg19) VCF-style: chr16-2114343-G-A.
Other names: c.1514G>A, p.Arg505Gln (NM_001077183.3, NM_001114382.3, NM_001363528.2 and 3 more transcripts); c.1403G>A, p.Arg468Gln (NM_001318827.2); c.1367G>A, p.Arg456Gln (NM_001318829.2); c.914G>A, p.Arg305Gln (NM_001318831.2); c.1547G>A, p.Arg516Gln (NM_001318832.2); short protein forms R505Q, R456Q, R468Q, R305Q, R516Q.
Identifiers: ClinVar variation 64996 (VCV000064996.62), dbSNP rs376285784, ClinGen allele CA015034.